The following is an entry in ClinVar:

ClinVar aggregate classification (germline): Uncertain significance (1 of 4 stars; one submission).

Conditions:
Epileptic encephalopathy. Identifiers: MedGen C0543888, HP:0200134.

Allele frequency attached by ClinVar (database versions not stated): gnomAD 0.00001; gnomAD exomes 0.00001.
gnomAD v4.1: 10 of 1,612,580 alleles (0.00062%); highest among the groups gnomAD compares: Non-Finnish European, 0.00068%; no homozygotes.

Submission:

Labcorp Genetics (formerly Invitae), Labcorp
Classification: Uncertain significance for Epileptic encephalopathy. Last evaluated: 2023-05-22. Review status: criteria provided, single submitter. Criteria: Invitae Variant Classification Sherloc (09022015). Collection method: clinical testing. Allele origin: germline.
Comment: This sequence change replaces methionine, which is neutral and non-polar, with valine, which is neutral and non-polar, at codon 687 of the FASN protein (p.Met687Val). This variant is not present in population databases (gnomAD no frequency). This variant has not been reported in the literature in individuals affected with FASN-related conditions. An algorithm developed to predict the effect of missense changes on protein structure and function (PolyPhen-2) suggests that this variant is likely to be disruptive. In summary, the available evidence is currently insufficient to determine the role of this variant in disease. Therefore, it has been classified as a Variant of Uncertain Significance.

NM_004104.5(FASN):c.2059A>G (p.Met687Val)

Gene: FASN (fatty acid synthase; minus strand). Cytogenetic location: 17q25.3.
Variant type: single nucleotide variant.
Coding change: c.2059A>G on transcript NM_004104.5 (MANE Select); coding-DNA position 2059, A replaced by G.
Protein change: p.Met687Val; replaces methionine 687 with valine.
Molecular consequence: missense variant.
Genome position (GRCh38, 1-based): chr17:82,089,291, T>C on the plus strand (A>G on the coding strand, the complement: FASN is on the minus strand). VCF-style: chr17-82089291-T-C. GRCh37 (hg19) VCF-style: chr17-80047167-T-C.
Other names: short protein forms M687V.
Identifiers: ClinVar variation 2893877 (VCV002893877.3), dbSNP rs2034161030, ClinGen allele CA401558773.
Genomic context (GRCh38, chr17:82,089,291, plus strand): 5'-CCAGGCCGTATTAGTCCACCTTCTTGAGCTCCTGCAGCAGTGGGGGTGCGATGGCCTCCA[T>C]GAAGTAGGAGTGGAAGGCCATACCGCCGGTCCGCACCTCCTTGGCAAACACACCCTCCTT-3'
Protein context (NP_004095.4, residues 677-697): TGGMAFHSYF[Met687Val]EAIAPPLLQE